The following is an entry in ClinVar:

NM_000038.6(APC):c.7990T>C (p.Cys2664Arg)

Gene: APC (APC regulator of Wnt signaling pathway; plus strand). Cytogenetic location: 5q22.2.
Variant type: single nucleotide variant.
Coding change: c.7990T>C on transcript NM_000038.6 (MANE Select); coding-DNA position 7990, T replaced by C.
Protein change: p.Cys2664Arg; replaces cysteine 2664 with arginine.
Molecular consequence: missense variant.
Genome position (GRCh38, 1-based): chr5:112,843,584, T>C. VCF-style: chr5-112843584-T-C. GRCh37 (hg19) VCF-style: chr5-112179281-T-C.
Other names: c.7990T>C, p.Cys2664Arg (NM_001127510.3, NM_001354895.2); c.7936T>C, p.Cys2646Arg (NM_001127511.3); c.8044T>C, p.Cys2682Arg (NM_001354896.2); c.8020T>C, p.Cys2674Arg (NM_001354897.2); c.7915T>C, p.Cys2639Arg (NM_001354898.2); c.7906T>C, p.Cys2636Arg (NM_001354899.2); c.7867T>C, p.Cys2623Arg (NM_001354900.2); c.7813T>C, p.Cys2605Arg (NM_001354901.2); and 5 more; short protein forms C2504R, C2563R, C2674R, C2682R, C2538R, C2573R, C2605R, C2636R.
Identifiers: ClinVar variation 962583 (VCV000962583.12), dbSNP rs1766617784, ClinGen allele CA16038686.

ClinVar aggregate classification (germline): Uncertain significance. Review status: criteria provided, multiple submitters, no conflicts (2 of 4 stars). 2 submissions from 2 submitters: Uncertain significance (2). Last evaluated 2024-03-06.

Conditions:
Hereditary cancer-predisposing syndrome. Also called: Tumor predisposition; Hereditary neoplastic syndrome; Hereditary Cancer Syndrome; Neoplastic Syndromes, Hereditary. Identifiers: Orphanet 140162, MedGen C0027672, MeSH D009386, MONDO:0015356.
Familial adenomatous polyposis 1 (FAP1). Also called: FAMILIAL ADENOMATOUS POLYPOSIS 1, ATTENUATED; POLYPOSIS, ADENOMATOUS INTESTINAL. Identifiers: MedGen C2713442, MONDO:0021056, OMIM 175100. Disease mechanism: loss of function.

Submissions (2):

Labcorp Genetics (formerly Invitae), Labcorp
Classification: Uncertain significance for Familial adenomatous polyposis 1. Last evaluated: 2024-03-06. Review status: criteria provided, single submitter. Criteria: Invitae Variant Classification Sherloc (09022015). Collection method: clinical testing. Allele origin: germline.
Comment: This sequence change replaces cysteine, which is neutral and slightly polar, with arginine, which is basic and polar, at codon 2664 of the APC protein (p.Cys2664Arg). This variant is not present in population databases (gnomAD no frequency). This variant has not been reported in the literature in individuals affected with APC-related conditions. ClinVar contains an entry for this variant (Variation ID: 962583). Advanced modeling of protein sequence and biophysical properties (such as structural, functional, and spatial information, amino acid conservation, physicochemical variation, residue mobility, and thermodynamic stability) performed at Invitae indicates that this missense variant is not expected to disrupt APC protein function with a negative predictive value of 95%. In summary, the available evidence is currently insufficient to determine the role of this variant in disease. Therefore, it has been classified as a Variant of Uncertain Significance.

Ambry Genetics
Classification: Uncertain significance for Hereditary cancer-predisposing syndrome. Last evaluated: 2024-02-20. Review status: criteria provided, single submitter. Criteria: Ambry Variant Classification Scheme 2023. Collection method: clinical testing. Allele origin: germline.
Comment: The p.C2664R variant (also known as c.7990T>C), located in coding exon 15 of the APC gene, results from a T to C substitution at nucleotide position 7990. The cysteine at codon 2664 is replaced by arginine, an amino acid with highly dissimilar properties. This amino acid position is conserved. In addition, in silico predictors for this gene do not accurately predict pathogenicity. Based on the available evidence, the clinical significance of this alteration remains unclear.